The following is an entry in ClinVar:

NM_025114.4(CEP290):c.784G>A (p.Ala262Thr)

Gene: CEP290 (centrosomal protein 290; minus strand). Cytogenetic location: 12q21.32.
Variant type: single nucleotide variant.
Coding change: c.784G>A on transcript NM_025114.4 (MANE Select); coding-DNA position 784, G replaced by A.
Protein change: p.Ala262Thr; replaces alanine 262 with threonine.
Molecular consequence: missense variant.
Genome position (GRCh38, 1-based): chr12:88,129,762, C>T on the plus strand (G>A on the coding strand, the complement: CEP290 is on the minus strand). VCF-style: chr12-88129762-C-T. GRCh37 (hg19) VCF-style: chr12-88523539-C-T.
Other names: short protein forms A262T.
Identifiers: ClinVar variation 950643 (VCV000950643.8), dbSNP rs1331352301, ClinGen allele CA385984527.

ClinVar aggregate classification (germline): Uncertain significance. Review status: criteria provided, multiple submitters, no conflicts (2 of 4 stars). 2 submissions from 2 submitters: Uncertain significance (2). Last evaluated 2024-05-20.

Conditions:
Joubert syndrome 5 (JBTS5). Identifiers: Orphanet 2318, MedGen C1857780, MONDO:0012432, OMIM 610188.
Leber congenital amaurosis 10 (LCA10). Identifiers: Orphanet 65, MedGen C1857821, MONDO:0012723, OMIM 611755.
Bardet-Biedl syndrome 14 (BBS14). Identifiers: Orphanet 110, MedGen C2673874, MONDO:0014442, OMIM 615991.
Meckel syndrome, type 4 (MKS4). Also called: MECKEL-GRUBER SYNDROME, TYPE 4. Identifiers: Orphanet 564, MedGen C1970161, MONDO:0012626, OMIM 611134.
Senior-Loken syndrome 6 (SLSN6). Identifiers: Orphanet 3156, MedGen C1857779, MONDO:0012433, OMIM 610189.
Meckel-Gruber syndrome. Also called: Dysencephalia splachnocystica; DYSENCEPHALIA SPLANCHNOCYSTICA; GRUBER SYNDROME. Identifiers: Orphanet 564, MedGen C0265215, MONDO:0018921.
Nephronophthisis. Also called: Juvenile Nephronophthisis. Identifiers: Orphanet 655, MedGen C0687120, MONDO:0019005, HP:0000090.
Joubert syndrome. Also called: Familial aplasia of the vermis; CEREBELLOPARENCHYMAL DISORDER IV; JOUBERT-BOLTSHAUSER SYNDROME. Identifiers: Orphanet 475, MedGen C5979921, MONDO:0018772.

Allele frequency attached by ClinVar (database versions not stated): gnomAD exomes below 0.00001; TOPMed below 0.00001; gnomAD 0.00001.
gnomAD v4.1: 3 of 1,484,198 alleles (0.0002%); highest among the groups gnomAD compares: African/African-American, 0.0043%; no homozygotes.

Submissions (2):

Fulgent Genetics
Classification: Uncertain significance for Joubert syndrome 5; Senior-Loken syndrome 6; Meckel syndrome, type 4; Leber congenital amaurosis 10; Bardet-Biedl syndrome 14. Last evaluated: 2024-05-20. Review status: criteria provided, single submitter. Criteria: ACMG Guidelines, 2015. Collection method: clinical testing. Allele origin: germline.

Labcorp Genetics (formerly Invitae), Labcorp
Classification: Uncertain significance for Joubert syndrome; Meckel-Gruber syndrome; Nephronophthisis. Last evaluated: 2022-09-06. Review status: criteria provided, single submitter. Criteria: Invitae Variant Classification Sherloc (09022015). Collection method: clinical testing. Allele origin: germline.
Comment: This sequence change replaces alanine, which is neutral and non-polar, with threonine, which is neutral and polar, at codon 262 of the CEP290 protein (p.Ala262Thr). This variant is present in population databases (no rsID available, gnomAD 0.02%). This missense change has been observed in individual(s) with retinitis pigmentosa (Invitae). ClinVar contains an entry for this variant (Variation ID: 950643). Algorithms developed to predict the effect of missense changes on protein structure and function (SIFT, PolyPhen-2, Align-GVGD) all suggest that this variant is likely to be tolerated. In summary, the available evidence is currently insufficient to determine the role of this variant in disease. Therefore, it has been classified as a Variant of Uncertain Significance.